The following is an entry in ClinVar:

ClinVar aggregate classification (germline): Pathogenic (1 of 4 stars; one submission).

Conditions:
Primary ciliary dyskinesia. Also called: Ciliary dyskinesia. Identifiers: Orphanet 244, MedGen C0008780, MONDO:0016575, HP:0012265.

Submission:

Labcorp Genetics (formerly Invitae), Labcorp
Classification: Pathogenic for Primary ciliary dyskinesia. Last evaluated: 2022-10-21. Review status: criteria provided, single submitter. Criteria: Invitae Variant Classification Sherloc (09022015). Collection method: clinical testing. Allele origin: germline.
Comment: For these reasons, this variant has been classified as Pathogenic. Algorithms developed to predict the effect of sequence changes on RNA splicing suggest that this variant may disrupt the consensus splice site. This variant has not been reported in the literature in individuals affected with DNAI2-related conditions. This variant is not present in population databases (gnomAD no frequency). This sequence change creates a premature translational stop signal (p.Ala62Profs*24) in the DNAI2 gene. It is expected to result in an absent or disrupted protein product. Loss-of-function variants in DNAI2 are known to be pathogenic (PMID: 18950741, 23891469).

Literature cited by the submitters: PubMed 18950741; PubMed 23891469.

NC_000017.11:g.74285040del

Gene: DNAI2 (dynein axonemal intermediate chain 2; plus strand). Cytogenetic location: 17q25.1.
Variant type: Deletion.
Genome position: GRCh38 VCF-style: chr17-74285038-AG-A. GRCh37 (hg19) VCF-style: chr17-72281177-AG-A.
Identifiers: ClinVar variation 2036392 (VCV002036392.4), dbSNP rs2509692411, ClinGen allele CA2580095116.